The following is an entry in ClinVar:

ClinVar aggregate classification (germline): Likely pathogenic (1 of 4 stars; one submission).

Submission:

GeneDx
Classification: Likely pathogenic. Last evaluated: 2023-12-04. Review status: criteria provided, single submitter. Criteria: GeneDx Variant Classification Process June 2021. Collection method: clinical testing. Allele origin: germline. Affected: yes.
Comment: Not observed at significant frequency in large population cohorts (gnomAD); In silico analysis supports that this missense variant does not alter protein structure/function; This variant is associated with the following publications: (PMID: 31873736)

NM_001322934.2(NFKB2):c.2609G>A (p.Ser870Asn)

Gene: NFKB2 (nuclear factor kappa B subunit 2; plus strand). Cytogenetic location: 10q24.32.
Variant type: single nucleotide variant.
Coding change: c.2609G>A on transcript NM_001322934.2 (MANE Select); coding-DNA position 2609, G replaced by A.
Protein change: p.Ser870Asn; replaces serine 870 with asparagine.
Molecular consequence: missense variant.
Genome position (GRCh38, 1-based): chr10:102,402,282, G>A. VCF-style: chr10-102402282-G-A. GRCh37 (hg19) VCF-style: chr10-104162039-G-A.
Other names: c.2609G>A, p.Ser870Asn (LRG_1347t1, NM_001077494.3); c.2606G>A, p.Ser869Asn (NM_001261403.3, NM_001288724.1, NM_002502.6); c.2483G>A, p.Ser828Asn (NM_001322935.1); short protein forms S869N, S870N, S828N.
Identifiers: ClinVar variation 421588 (VCV000421588.3), dbSNP rs1064795232, ClinGen allele CA16618923.